The following is an entry in ClinVar:

NM_014780.5(CUL7):c.4210A>G (p.Ile1404Val)

Gene: CUL7 (cullin 7; minus strand). Cytogenetic location: 6p21.1.
Variant type: single nucleotide variant.
Coding change: c.4210A>G on transcript NM_014780.5 (MANE Select); coding-DNA position 4210, A replaced by G.
Protein change: p.Ile1404Val; replaces isoleucine 1404 with valine.
Molecular consequence: missense variant.
Genome position (GRCh38, 1-based): chr6:43,040,240, T>C on the plus strand (A>G on the coding strand, the complement: CUL7 is on the minus strand). VCF-style: chr6-43040240-T-C. GRCh37 (hg19) VCF-style: chr6-43007978-T-C.
Other names: c.4306A>G, p.Ile1436Val (NM_001168370.2, NM_001374872.1); c.4210A>G, p.Ile1404Val (NM_001374873.1); c.4207A>G, p.Ile1403Val (NM_001374874.1); short protein forms I1403V, I1404V, I1436V.
Identifiers: ClinVar variation 2417342 (VCV002417342.6), dbSNP rs778144828, ClinGen allele CA3813277.
Genomic context (GRCh38, chr6:43,040,240, plus strand): 5'-TGTTCAAAGTGCCCCTCAGGTAGGAGGGCAGGCAGGTTCTGGGGTTCAGTGTGTGGCAGA[T>C]TGAGGCAACAGGCCAGGAGTGTCGGGACAGGACAAGCACAGACACTTCTGGCATTGCCCC-3'
Protein context (NP_055595.2, residues 1394-1414): LSRHSWPVAS[Ile1404Val]CHTLNPRTCL

ClinVar aggregate classification (germline): Uncertain significance (1 of 4 stars; one submission).

Allele frequency attached by ClinVar (database versions not stated): gnomAD 0.00001; gnomAD exomes 0.00001; ExAC 0.00002; TOPMed 0.00002.
gnomAD v4.1: 20 of 1,614,078 alleles (0.0012%); highest among the groups gnomAD compares: East Asian, 0.0089%; no homozygotes.

Submission:

Labcorp Genetics (formerly Invitae), Labcorp
Classification: Uncertain significance. Last evaluated: 2025-07-10. Review status: criteria provided, single submitter. Criteria: Invitae Variant Classification Sherloc (09022015). Collection method: clinical testing. Allele origin: germline.
Comment: This sequence change replaces isoleucine, which is neutral and non-polar, with valine, which is neutral and non-polar, at codon 1404 of the CUL7 protein (p.Ile1404Val). This variant is present in population databases (rs778144828, gnomAD 0.02%). This variant has not been reported in the literature in individuals affected with CUL7-related conditions. ClinVar contains an entry for this variant (Variation ID: 2417342). Invitae Evidence Modeling of protein sequence and biophysical properties (such as structural, functional, and spatial information, amino acid conservation, physicochemical variation, residue mobility, and thermodynamic stability) indicates that this missense variant is not expected to disrupt CUL7 protein function with a negative predictive value of 80%. In summary, the available evidence is currently insufficient to determine the role of this variant in disease. Therefore, it has been classified as a Variant of Uncertain Significance.